The following is an entry in ClinVar:

ClinVar aggregate classification (germline): Uncertain significance (1 of 4 stars; one submission).

Conditions:
Aortic aneurysm, familial thoracic 8 (AAT8). Identifiers: MedGen C3809513, MONDO:0014187, OMIM 615436.

Allele frequency attached by ClinVar (database versions not stated): gnomAD exomes 0.00001 and 0.00005; gnomAD 0.00009; TOPMed 0.00009.
gnomAD v4.1: 25 of 1,607,626 alleles (0.0016%); highest among the groups gnomAD compares: Admixed American, 0.042%; no homozygotes.

Submission:

Labcorp Genetics (formerly Invitae), Labcorp
Classification: Uncertain significance for Aortic aneurysm, familial thoracic 8. Last evaluated: 2024-12-31. Review status: criteria provided, single submitter. Criteria: Invitae Variant Classification Sherloc (09022015). Collection method: clinical testing. Allele origin: germline.
Comment: This sequence change falls in intron 10 of the PRKG1 gene. It does not directly change the encoded amino acid sequence of the PRKG1 protein. It affects a nucleotide within the consensus splice site. This variant is present in population databases (no rsID available, gnomAD 0.04%). This variant has not been reported in the literature in individuals affected with PRKG1-related conditions. ClinVar contains an entry for this variant (Variation ID: 1056988). Variants that disrupt the consensus splice site are a relatively common cause of aberrant splicing (PMID: 17576681, 9536098). Algorithms developed to predict the effect of sequence changes on RNA splicing suggest that this variant is not likely to affect RNA splicing. In summary, the available evidence is currently insufficient to determine the role of this variant in disease. Therefore, it has been classified as a Variant of Uncertain Significance.

Literature cited by the submitters: PubMed 17576681; PubMed 9536098.

NM_006258.4(PRKG1):c.1173+3A>G

Gene: PRKG1 (protein kinase cGMP-dependent 1; plus strand). Cytogenetic location: 10q21.1.
Variant type: single nucleotide variant.
Coding change: c.1173+3A>G on transcript NM_006258.4 (MANE Select); 3 bases into the intron after coding-DNA position 1173, A replaced by G.
Molecular consequence: intron variant.
Genome position (GRCh38, 1-based): chr10:52,251,669, A>G. VCF-style: chr10-52251669-A-G. GRCh37 (hg19) VCF-style: chr10-54011429-A-G.
Other names: c.1128+3A>G (NM_001098512.3); c.-37+3A>G (NM_001374781.1).
Identifiers: ClinVar variation 1056988 (VCV001056988.7), dbSNP rs1405143204, ClinGen allele CA593555280.